The following is an entry in ClinVar:

ClinVar aggregate classification (germline): Likely pathogenic (1 of 4 stars; one submission).

Submission:

GeneDx
Classification: Likely pathogenic. Last evaluated: 2024-12-03. Review status: criteria provided, single submitter. Criteria: GeneDx Variant Classification Process June 2021. Collection method: clinical testing. Allele origin: germline. Affected: yes.
Comment: Nonsense variant predicted to result in protein truncation, as the last 135 amino acid(s) are lost, and other loss-of-function variants have been reported downstream in HGMD; Not observed at significant frequency in large population cohorts (gnomAD); Has not been previously published as pathogenic or benign to our knowledge

NM_000493.4(COL10A1):c.1636del (p.Gly545_Val546insTer)

Genes: COL10A1 (collagen type X alpha 1 chain; minus strand), NT5DC1 (5'-nucleotidase domain containing 1; plus strand). Cytogenetic location: 6q22.1.
Variant type: Deletion.
Coding change: c.1636del on transcript NM_000493.4 (MANE Select); coding-DNA position 1636, one base deleted (G; older notation c.1636delG).
Protein change: p.Gly545_Val546insTer.
Molecular consequence: nonsense. On other transcripts: intron variant (1).
Genome position (GRCh38, 1-based): chr6:116,120,480, C deleted on the plus strand (G on the coding strand, the reverse complement: COL10A1 is on the minus strand); the first of 5 consecutive C bases (chr6:116,120,480-116,120,484); deleting any one gives the same sequence. VCF-style (leftmost placement, unchanged base first): chr6-116120479-AC-A. GRCh37 (hg19) VCF-style: chr6-116441642-AC-A.
Other names: c.1636del, p.Gly545_Val546insTer (NM_001424106.1, NM_001424107.1); c.529+2539del (NM_152729.3).
Identifiers: ClinVar variation 3901488 (VCV003901488.1).